The following is an entry in ClinVar:

ClinVar aggregate classification (germline): Uncertain significance (1 of 4 stars; one submission).

Conditions:
Inborn genetic diseases. Identifiers: MedGen C0950123, MeSH D030342.

Submission:

Ambry Genetics
Classification: Uncertain significance for Inborn genetic diseases. Last evaluated: 2025-08-05. Review status: criteria provided, single submitter. Criteria: Ambry Variant Classification Scheme 2023. Collection method: clinical testing. Allele origin: germline.
Comment: The c.787_789delCCAinsTCG (p.P263S) alteration, located in exon 5 (coding exon 5) of the GRIN1 gene, consists of an in-frame substitution of 3 nucleotides from position 787 to 789. This results in the substitution of the proline (P) residue for a serine (S) residue at codon 263. This variant was not reported in population-based cohorts in the Genome Aggregation Database (gnomAD). This amino acid position is highly conserved in available vertebrate species. This alteration is predicted to be deleterious by in silico analysis (Choi, 2012). Based on insufficient or conflicting evidence, the clinical significance of this alteration remains unclear.

NM_007327.4(GRIN1):c.787_789delinsTCG (p.Pro263Ser)

Gene: GRIN1 (glutamate ionotropic receptor NMDA type subunit 1; plus strand). Cytogenetic location: 9q34.3.
Variant type: Indel.
Coding change: c.787_789delinsTCG on transcript NM_007327.4 (MANE Select); coding-DNA positions 787 to 789, CCA replaced by TCG.
Protein change: p.Pro263Ser; replaces proline 263 with serine.
Molecular consequence: missense variant.
Genome position (GRCh38, 1-based): chr9:137,156,784-137,156,786, CCA replaced by TCG. VCF-style: chr9-137156784-CCA-TCG. GRCh37 (hg19) VCF-style: chr9-140051236-CCA-TCG.
Other names: c.850_852delinsTCG, p.Pro284Ser (NM_001185091.2, NM_001437330.1, NM_001437331.1 and 1 more transcripts); c.787_789delinsTCG, p.Pro263Ser (NM_021569.4, NM_000832.7); short protein forms P284S, P263S.
Identifiers: ClinVar variation 4267032 (VCV004267032.1).